The following is an entry in ClinVar:

ClinVar aggregate classification (germline): Uncertain significance (1 of 4 stars; one submission).

Allele frequency attached by ClinVar (database versions not stated): gnomAD exomes below 0.00001.
gnomAD v4.1: 1 of 1,614,178 alleles (0.000062%); highest among the groups gnomAD compares: Non-Finnish European, 0.000085%; no homozygotes.

Submission:

Ambry Genetics
Classification: Uncertain significance. Last evaluated: 2024-07-28. Review status: criteria provided, single submitter. Criteria: Ambry Variant Classification Scheme 2023. Collection method: clinical testing. Allele origin: germline.
Comment: The p.T257I variant (also known as c.770C>T), located in coding exon 1 of the EGLN1 gene, results from a C to T substitution at nucleotide position 770. The threonine at codon 257 is replaced by isoleucine, an amino acid with similar properties. This amino acid position is conserved. In addition, the in silico prediction for this alteration is inconclusive. Since supporting evidence is limited at this time, the clinical significance of this alteration remains unclear.

NM_022051.3(EGLN1):c.770C>T (p.Thr257Ile)

Gene: EGLN1 (egl-9 family hypoxia inducible factor 1; minus strand). Cytogenetic location: 1q42.2.
Variant type: single nucleotide variant.
Coding change: c.770C>T on transcript NM_022051.3 (MANE Select); coding-DNA position 770, C replaced by T.
Protein change: p.Thr257Ile; replaces threonine 257 with isoleucine.
Molecular consequence: missense variant.
Genome position (GRCh38, 1-based): chr1:231,421,119, G>A on the plus strand (C>T on the coding strand, the complement: EGLN1 is on the minus strand). VCF-style: chr1-231421119-G-A. GRCh37 (hg19) VCF-style: chr1-231556865-G-A.
Other names: c.770C>T, p.Thr257Ile (NM_001377260.1, NM_001377261.1); short protein forms T257I.
Identifiers: ClinVar variation 1760254 (VCV001760254.3), dbSNP rs911032039, ClinGen allele CA38948417.